The following is an entry in ClinVar:

ClinVar aggregate classification (germline): Uncertain significance (1 of 4 stars; one submission).

Conditions:
POLD1-related polyposis and colorectal cancer syndrome (CRCS10). Also called: Colorectal cancer 10; Colorectal cancer, susceptibility to, 10; COLORECTAL CANCER, SUSCEPTIBILITY TO, ON CHROMOSOME 19q. Identifiers: Orphanet 220460, MedGen C2675481, MONDO:0012953, OMIM 612591.

Submission:

Labcorp Genetics (formerly Invitae), Labcorp
Classification: Uncertain significance for POLD1-related polyposis and colorectal cancer syndrome. Last evaluated: 2023-08-14. Review status: criteria provided, single submitter. Criteria: Invitae Variant Classification Sherloc (09022015). Collection method: clinical testing. Allele origin: germline.
Comment: Algorithms developed to predict the effect of sequence changes on RNA splicing suggest that this variant may create or strengthen a splice site. In summary, the available evidence is currently insufficient to determine the role of this variant in disease. Therefore, it has been classified as a Variant of Uncertain Significance. Advanced modeling of protein sequence and biophysical properties (such as structural, functional, and spatial information, amino acid conservation, physicochemical variation, residue mobility, and thermodynamic stability) performed at Invitae indicates that this missense variant is not expected to disrupt POLD1 protein function. This variant has not been reported in the literature in individuals affected with POLD1-related conditions. This variant is not present in population databases (gnomAD no frequency). This sequence change replaces aspartic acid, which is acidic and polar, with glutamic acid, which is acidic and polar, at codon 893 of the POLD1 protein (p.Asp893Glu).

NM_002691.4(POLD1):c.2679C>G (p.Asp893Glu)

Gene: POLD1 (DNA polymerase delta 1, catalytic subunit; plus strand). Cytogenetic location: 19q13.33.
Variant type: single nucleotide variant.
Coding change: c.2679C>G on transcript NM_002691.4 (MANE Select); coding-DNA position 2679, C replaced by G.
Protein change: p.Asp893Glu; replaces aspartic acid 893 with glutamic acid.
Molecular consequence: missense variant. On other transcripts: non-coding transcript variant (1).
Genome position (GRCh38, 1-based): chr19:50,415,552, C>G. VCF-style: chr19-50415552-C-G. GRCh37 (hg19) VCF-style: chr19-50918809-C-G.
Other names: c.2679C>G, p.Asp893Glu (NM_001256849.1); c.2757C>G, p.Asp919Glu (NM_001308632.1); short protein forms D919E, D893E.
Identifiers: ClinVar variation 2750611 (VCV002750611.3), dbSNP rs2122476656, ClinGen allele CA406985609.